The following is an entry in ClinVar:

ClinVar aggregate classification (germline): Uncertain significance (1 of 4 stars; one submission).

Conditions:
Polyglucosan body myopathy type 1 (PGBM1). Also called: Polyglucosan body myopathy 1 with or without immunodeficiency; POLYGLUCOSAN BODY MYOPATHY WITHOUT IMMUNODEFICIENCY. Identifiers: Orphanet 329173, Orphanet 397937, MedGen C4014605, MONDO:0014389, OMIM 615895.

gnomAD v4.1: 2 of 1,612,256 alleles (0.00012%); highest among the groups gnomAD compares: South Asian, 0.0022%; no homozygotes.

Submission:

ARUP Laboratories, Molecular Genetics and Genomics, ARUP Laboratories
Classification: Uncertain significance for Polyglucosan body myopathy type 1. Last evaluated: 2024-11-07. Review status: criteria provided, single submitter. Criteria: ARUP Molecular Germline Variant Investigation Process 2024. Collection method: clinical testing. Allele origin: germline.
Comment: The RBCK1 c.161A>T; p.Gln54Leu variant, also known as c.510A>T; p.Pro170= in transcript NM_031229.4, is not reported in the medical literature or gene specific databases, to our knowledge. This variant is absent from the Genome Aggregation Database (v2.1.1), indicating it is not a common polymorphism. Computational analyses predict that this variant is neutral (REVEL: 0.078). However, given the lack of clinical and functional data, the significance of this variant is uncertain at this time.

NM_031229.4(RBCK1):c.510A>T (p.Pro170=)

Gene: RBCK1 (RANBP2-type and C3HC4-type zinc finger containing 1; plus strand). Cytogenetic location: 20p13.
Variant type: single nucleotide variant.
Coding change: c.510A>T on transcript NM_031229.4 (MANE Select); coding-DNA position 510, A replaced by T.
Protein change: p.Pro170=; no amino-acid change (proline 170 retained).
Molecular consequence: synonymous variant. On other transcripts: missense variant (2), non-coding transcript variant (1).
Genome position (GRCh38, 1-based): chr20:419,396, A>T. VCF-style: chr20-419396-A-T. GRCh37 (hg19) VCF-style: chr20-400040-A-T.
Other names: c.161A>T, p.Gln54Leu (NM_001323956.2, NM_001323958.2); c.561A>T, p.Pro187= (NM_001410770.1); c.384A>T, p.Pro128= (NM_006462.6); short protein forms Q54L.
Identifiers: ClinVar variation 3766964 (VCV003766964.1).